The following is an entry in ClinVar:

ClinVar aggregate classification (germline): Uncertain significance (1 of 4 stars; one submission).

Conditions:
Epidermodysplasia verruciformis. Identifiers: Orphanet 302, MedGen C0014522, MONDO:0009176.

Allele frequency attached by ClinVar (database versions not stated): TOPMed 0.00005; gnomAD 0.00008 and 0.00009; ESP Exome Variant Server 0.00031.
gnomAD v4.1: 115 of 1,613,842 alleles (0.0071%); highest among the groups gnomAD compares: Non-Finnish European, 0.0089%; no homozygotes.

Submission:

Labcorp Genetics (formerly Invitae), Labcorp
Classification: Uncertain significance for Epidermodysplasia verruciformis. Last evaluated: 2024-10-21. Review status: criteria provided, single submitter. Criteria: Invitae Variant Classification Sherloc (09022015). Collection method: clinical testing. Allele origin: germline.
Comment: This sequence change replaces aspartic acid, which is acidic and polar, with tyrosine, which is neutral and polar, at codon 454 of the TMC8 protein (p.Asp454Tyr). This variant is present in population databases (rs142790683, gnomAD 0.01%). This variant has not been reported in the literature in individuals affected with TMC8-related conditions. ClinVar contains an entry for this variant (Variation ID: 938193). Invitae Evidence Modeling of protein sequence and biophysical properties (such as structural, functional, and spatial information, amino acid conservation, physicochemical variation, residue mobility, and thermodynamic stability) has been performed for this missense variant. However, the output from this modeling did not meet the statistical confidence thresholds required to predict the impact of this variant on TMC8 protein function. In summary, the available evidence is currently insufficient to determine the role of this variant in disease. Therefore, it has been classified as a Variant of Uncertain Significance.

NM_152468.5(TMC8):c.1360G>T (p.Asp454Tyr)

Gene: TMC8 (transmembrane channel like 8; plus strand). Cytogenetic location: 17q25.3.
Variant type: single nucleotide variant.
Coding change: c.1360G>T on transcript NM_152468.5 (MANE Select); coding-DNA position 1360, G replaced by T.
Protein change: p.Asp454Tyr; replaces aspartic acid 454 with tyrosine.
Molecular consequence: missense variant.
Genome position (GRCh38, 1-based): chr17:78,138,015, G>T. VCF-style: chr17-78138015-G-T. GRCh37 (hg19) VCF-style: chr17-76134096-G-T.
Other names: short protein forms D454Y.
Identifiers: ClinVar variation 938193 (VCV000938193.8), dbSNP rs142790683, ClinGen allele CA8796850.